The following is an entry in ClinVar:

ClinVar aggregate classification (germline): Benign (1 of 4 stars; one submission).

Allele frequency attached by ClinVar (database versions not stated): gnomAD exomes 0.00588 and 0.01626; ExAC 0.01956; gnomAD 0.06541 and 0.07059; ESP Exome Variant Server 0.06657; 1000 Genomes Project 0.07089; 1000 Genomes Project 30x 0.07261; TOPMed 0.07395.
gnomAD v4.1: 18,794 of 1,596,280 alleles (1.2%); highest among the groups gnomAD compares: African/African-American, 22%; 1,976 homozygotes.

Submission:

GeneDx
Classification: Benign. Last evaluated: 2018-06-14. Review status: criteria provided, single submitter. Criteria: GeneDx Variant Classification (06012015). Collection method: clinical testing. Allele origin: germline. Affected: yes.
Comment: This variant is considered likely benign or benign based on one or more of the following criteria: it is a conservative change, it occurs at a poorly conserved position in the protein, it is predicted to be benign by multiple in silico algorithms, and/or has population frequency not consistent with disease.

NM_006073.4(TRDN):c.1537+30C>T

Gene: TRDN (triadin; minus strand). Cytogenetic location: 6q22.31.
Variant type: single nucleotide variant.
Coding change: c.1537+30C>T on transcript NM_006073.4 (MANE Select); 30 bases into the intron after coding-DNA position 1537, C replaced by T.
Molecular consequence: intron variant.
Genome position (GRCh38, 1-based): chr6:123,279,026, G>A on the plus strand (C>T on the coding strand, the complement: TRDN is on the minus strand). VCF-style: chr6-123279026-G-A. GRCh37 (hg19) VCF-style: chr6-123600171-G-A.
Identifiers: ClinVar variation 676385 (VCV000676385.1), dbSNP rs113656748, ClinGen allele CA3983881.